The following is an entry in ClinVar:

NM_207034.3(EDN3):c.525A>G (p.Gln175=)

Gene: EDN3 (endothelin 3; plus strand). Cytogenetic location: 20q13.32.
Variant type: single nucleotide variant.
Coding change: c.525A>G on transcript NM_207034.3 (MANE Select); coding-DNA position 525, A replaced by G.
Protein change: p.Gln175=; no amino-acid change (glutamine 175 retained).
Molecular consequence: synonymous variant.
Genome position (GRCh38, 1-based): chr20:59,321,176, A>G. VCF-style: chr20-59321176-A-G. GRCh37 (hg19) VCF-style: chr20-57896231-A-G.
Other names: c.525A>G, p.Gln175= (NM_001302455.2, NM_001302456.2, NM_207032.3 and 1 more transcripts).
Identifiers: ClinVar variation 226621 (VCV000226621.21), dbSNP rs34780366, ClinGen allele CA9930393.

ClinVar aggregate classification (germline): Benign. Review status: criteria provided, multiple submitters, no conflicts (2 of 4 stars). 5 submissions from 5 submitters: Benign (5). Last evaluated 2025-12-24.

Conditions:
Hirschsprung disease, susceptibility to, 4. Identifiers: Orphanet 388, MedGen C3150975, MONDO:0013384, OMIM 613712.

Allele frequency attached by ClinVar (database versions not stated): gnomAD exomes 0.00040 and 0.00122; ExAC 0.00140; 1000 Genomes Project 30x 0.00141; 1000 Genomes Project 0.00160; gnomAD 0.00439 and 0.00474; TOPMed 0.00484; ESP Exome Variant Server 0.00500.
gnomAD v4.1: 1,308 of 1,614,180 alleles (0.081%); highest among the groups gnomAD compares: African/African-American, 1.5%; 15 homozygotes.

Submissions (6):

Labcorp Genetics (formerly Invitae), Labcorp
Classification: Benign. Last evaluated: 2025-12-24. Review status: criteria provided, single submitter. Criteria: Invitae Variant Classification Sherloc (09022015). Collection method: clinical testing. Allele origin: germline.

GeneDx
Classification: Benign. Last evaluated: 2019-05-20. Review status: criteria provided, single submitter. Criteria: GeneDx Variant Classification Process June 2021. Collection method: clinical testing. Allele origin: germline. Affected: yes.

Illumina Laboratory Services, Illumina
Classification: Benign for Hirschsprung disease, susceptibility to, 4. Last evaluated: 2018-01-13. Review status: criteria provided, single submitter. Criteria: ICSL Variant Classification Criteria 13 December 2019. Collection method: clinical testing. Allele origin: germline.
Comment: This variant was observed in the ICSL laboratory as part of a predisposition screen in an ostensibly healthy population. It had not been previously curated by ICSL or reported in the Human Gene Mutation Database (HGMD: prior to June 1st, 2018), and was therefore a candidate for classification through an automated scoring system. Utilizing variant allele frequency, disease prevalence and penetrance estimates, and inheritance mode, an automated score was calculated to assess if this variant is too frequent to cause the disease. Based on the score and internal cut-off values, a variant classified as benign is not then subjected to further curation. The score for this variant resulted in a classification of benign for this disease.

Laboratory for Molecular Medicine, Mass General Brigham Personalized Medicine
Classification: Benign. Last evaluated: 2013-02-21. Review status: criteria provided, single submitter. Criteria: LMM Criteria. Collection method: clinical testing. Allele origin: germline. Observed: 5 variant alleles.
Comment: Gln175Gln in exon 3 of EDN3: This variant is not expected to have clinical signi ficance because it does not alter an amino acid residue and is not located withi n the splice consensus sequence. It has been identified in 1.5% (65/4406) of Afr ican American chromosomes from a broad population by the NHLBI Exome Sequencing Project (dbSNP rs34780366).

Breakthrough Genomics
Classification: Benign. Review status: criteria provided, single submitter. Criteria: ACMG Guidelines, 2015. Collection method: not provided. Allele origin: germline. Inheritance: Autosomal recessive inheritance. Affected: yes.

Dr. Peter K. Rogan Lab, Western University
No classification provided (evidence only). Condition: Hepatocellular carcinoma. Review status: no classification provided. Collection method: in vitro. Allele origin: not applicable. Functional consequence: retained intron. Not counted in ClinVar's aggregate classification.